The following is an entry in ClinVar:

ClinVar aggregate classification (germline): Uncertain significance (1 of 4 stars; one submission).

Conditions:
Sitosterolemia (STSL). Also called: PHYTOSTEROLEMIA. Identifiers: Orphanet 2882, MedGen C0342907, MONDO:0008863.

Allele frequency attached by ClinVar (database versions not stated): TOPMed 0.00002; gnomAD 0.00004.

Submission:

Labcorp Genetics (formerly Invitae), Labcorp
Classification: Uncertain significance for Sitosterolemia. Last evaluated: 2021-06-28. Review status: criteria provided, single submitter. Criteria: Invitae Variant Classification Sherloc (09022015). Collection method: clinical testing. Allele origin: germline.
Comment: This variant has not been reported in the literature in individuals with ABCG5-related conditions. This sequence change replaces arginine with cysteine at codon 145 of the ABCG5 protein (p.Arg145Cys). The arginine residue is moderately conserved and there is a large physicochemical difference between arginine and cysteine. This variant is not present in population databases (ExAC no frequency). Algorithms developed to predict the effect of missense changes on protein structure and function (SIFT, PolyPhen-2, Align-GVGD) all suggest that this variant is likely to be disruptive, but these predictions have not been confirmed by published functional studies and their clinical significance is uncertain. In summary, the available evidence is currently insufficient to determine the role of this variant in disease. Therefore, it has been classified as a Variant of Uncertain Significance.

NM_022436.3(ABCG5):c.433C>T (p.Arg145Cys)

Gene: ABCG5 (ATP binding cassette subfamily G member 5; minus strand). Cytogenetic location: 2p21.
Variant type: single nucleotide variant.
Coding change: c.433C>T on transcript NM_022436.3 (MANE Select); coding-DNA position 433, C replaced by T.
Protein change: p.Arg145Cys; replaces arginine 145 with cysteine.
Molecular consequence: missense variant.
Genome position (GRCh38, 1-based): chr2:43,831,837, G>A on the plus strand (C>T on the coding strand, the complement: ABCG5 is on the minus strand). VCF-style: chr2-43831837-G-A. GRCh37 (hg19) VCF-style: chr2-44058976-G-A.
Other names: short protein forms R145C.
Identifiers: ClinVar variation 1496687 (VCV001496687.8), dbSNP rs866515397, ClinGen allele CA46470476.